The following is an entry in ClinVar:

NM_001204182.2(NEK2):c.1112-11_1112-8del

Gene: NEK2 (NIMA related kinase 2; minus strand). Cytogenetic location: 1q32.3.
Variant type: Deletion.
Coding change: c.1112-11_1112-8del on transcript NM_001204182.2; 11 bases into the intron before coding-DNA position 1112 through 8 bases into the intron before coding-DNA position 1112, 4 bases deleted (TTTT; older notation c.1112-11_1112-8delTTTT).
Molecular consequence: intron variant.
Genome position (GRCh38, 1-based): chr1:211,658,720-211,658,723, AAAA deleted on the plus strand (TTTT on the coding strand, the reverse complement: NEK2 is on the minus strand); deleting any 4 consecutive bases within chr1:211,658,720-211,658,748 gives the same sequence; the c. name uses the placement nearest the transcript's 3' end. VCF-style (leftmost placement, unchanged base first): chr1-211658719-CAAAA-C. GRCh37 (hg19) VCF-style: chr1-211832061-CAAAA-C.
Identifiers: ClinVar variation 4981554 (VCV004981554.1).

ClinVar aggregate classification (germline): Likely benign (1 of 4 stars; one submission).

Conditions:
NEK2-related disorder. Also called: NEK2-related condition.

Submission:

PreventionGenetics, part of Exact Sciences
Classification: Likely benign for NEK2-related condition. Last evaluated: 2026-06-05. Review status: criteria provided, single submitter. Criteria: ACMG Guidelines, 2015. Collection method: clinical testing. Allele origin: germline.
Comment: This variant is classified as likely benign based on ACMG/AMP sequence variant interpretation guidelines (Richards et al. 2015 PMID: 25741868, with internal and published modifications).